The following is an entry in ClinVar:

NM_000264.5(PTCH1):c.752A>T (p.Lys251Ile)

Gene: PTCH1 (patched 1; minus strand). Cytogenetic location: 9q22.32.
Variant type: single nucleotide variant.
Coding change: c.752A>T on transcript NM_000264.5 (MANE Select); coding-DNA position 752, A replaced by T.
Protein change: p.Lys251Ile; replaces lysine 251 with isoleucine.
Molecular consequence: missense variant. On other transcripts: non-coding transcript variant (1).
Genome position (GRCh38, 1-based): chr9:95,480,583, T>A on the plus strand (A>T on the coding strand, the complement: PTCH1 is on the minus strand). VCF-style: chr9-95480583-T-A. GRCh37 (hg19) VCF-style: chr9-98242865-T-A.
Other names: c.554A>T, p.Lys185Ile (NM_001083602.3); c.749A>T, p.Lys250Ile (NM_001083603.3); c.299A>T, p.Lys100Ile (NM_001083604.3, NM_001083605.3, NM_001083606.3 and 1 more transcripts); c.752A>T, p.Lys251Ile (NM_001354918.2); short protein forms K100I, K250I, K251I, K185I.
Identifiers: ClinVar variation 1759363 (VCV001759363.7), dbSNP rs754650075, ClinGen allele CA374114638.
Genomic context (GRCh38, chr9:95,480,583, plus strand): 5'-ATTTTCTTTAACTCTTCCAGGAATTCCAAAGGGTCGAAGTTTGTCCACCGCAAAGGAGGT[T>A]TACCTCTGCAAAAGAAATTAGGAGACGAGACCATGAAAAGAGCCTTCTAAACGCATCGTA-3'
Protein context (NP_000255.2, residues 241-261): LQSGTAYLLG[Lys251Ile]PPLRWTNFDP

ClinVar aggregate classification (germline): Uncertain significance. Review status: criteria provided, multiple submitters, no conflicts (2 of 4 stars). 2 submissions from 2 submitters: Uncertain significance (2). Last evaluated 2022-03-24.

Conditions:
Hereditary cancer-predisposing syndrome. Also called: Neoplastic Syndromes, Hereditary; Tumor predisposition; Hereditary neoplastic syndrome; Hereditary Cancer Syndrome. Identifiers: Orphanet 140162, MedGen C0027672, MeSH D009386, MONDO:0015356.
Gorlin syndrome. Also called: Nevoid Basal Cell Carcinoma Syndrome; Basal cell nevus syndrome. Identifiers: Orphanet 377, MedGen C0004779, MONDO:0007187.

Submissions (2):

Ambry Genetics
Classification: Uncertain significance for Hereditary cancer-predisposing syndrome. Last evaluated: 2022-03-24. Review status: criteria provided, single submitter. Criteria: Ambry Variant Classification Scheme 2023. Collection method: clinical testing. Allele origin: germline.
Comment: The p.K251I variant (also known as c.752A>T), located in coding exon 6 of the PTCH1 gene, results from an A to T substitution at nucleotide position 752. The lysine at codon 251 is replaced by isoleucine, an amino acid with dissimilar properties. This amino acid position is conserved. In addition, the in silico prediction for this alteration is inconclusive. Since supporting evidence is limited at this time, the clinical significance of this alteration remains unclear.

Labcorp Genetics (formerly Invitae), Labcorp
Classification: Uncertain significance for Gorlin syndrome. Last evaluated: 2022-02-25. Review status: criteria provided, single submitter. Criteria: Invitae Variant Classification Sherloc (09022015). Collection method: clinical testing. Allele origin: germline.
Comment: In summary, the available evidence is currently insufficient to determine the role of this variant in disease. Therefore, it has been classified as a Variant of Uncertain Significance. Advanced modeling of protein sequence and biophysical properties (such as structural, functional, and spatial information, amino acid conservation, physicochemical variation, residue mobility, and thermodynamic stability) performed at Invitae indicates that this missense variant is not expected to disrupt PTCH1 protein function. This variant has not been reported in the literature in individuals affected with PTCH1-related conditions. This variant is not present in population databases (gnomAD no frequency). This sequence change replaces lysine, which is basic and polar, with isoleucine, which is neutral and non-polar, at codon 251 of the PTCH1 protein (p.Lys251Ile).